The following is an entry in ClinVar:

NM_000038.6(APC):c.729+2776C>A

Gene: APC (APC regulator of WNT signaling pathway; plus strand). Cytogenetic location: 5q22.2.
Variant type: single nucleotide variant.
Coding change: c.729+2776C>A on transcript NM_000038.6 (MANE Select); 2776 bases into the intron after coding-DNA position 729, C replaced by A.
Molecular consequence: intron variant.
Genome position (GRCh38, 1-based): chr5:112,795,305, C>A. VCF-style: chr5-112795305-C-A. GRCh37 (hg19) VCF-style: chr5-112131002-C-A.
Other names: c.729+2776C>A (NM_001354895.2, NM_001127510.3, NM_001354896.2 and 1 more transcripts); c.759+2776C>A (NM_001354897.2, NM_001354902.2); c.676-5974C>A (NM_001127511.3); c.654+2776C>A (NM_001354898.2, NM_001354904.2); c.-307+2776C>A (NM_001354906.2); c.646-5974C>A (NM_001354899.2); c.552+2776C>A (NM_001354900.2, NM_001354901.2, NM_001354905.2).
Identifiers: ClinVar variation 83017 (VCV000083017.2), dbSNP rs76118962, ClinGen allele CA013170.

ClinVar aggregate classification (germline): other (0 of 4 stars; one submission).

Conditions:
Familial colorectal cancer. Identifiers: MedGen CN280943, MONDO:0023113. Disease mechanism: loss of function.

Submission:

Systems Biology Platform Zhejiang California International NanoSystems Institute
Classification: other for Familial colorectal cancer. Review status: no assertion criteria provided. Collection method: not provided. Allele origin: unknown.
ClinVar note: Converted during submission from cancer to other.